The following is an entry in ClinVar:

ClinVar aggregate classification (germline): Benign/Likely benign. Review status: criteria provided, multiple submitters, no conflicts (2 of 4 stars). 20 submissions from 13 submitters: Benign (12); Likely benign (4). 4 of the submissions do not count toward it. Last evaluated 2026-02-04.

Conditions:
Autosomal recessive limb-girdle muscular dystrophy type 2J (LGMDR10). Also called: MUSCULAR DYSTROPHY, LIMB-GIRDLE, AUTOSOMAL RECESSIVE 10; Limb-girdle muscular dystrophy, type 2J. Identifiers: Orphanet 140922, MedGen C1837342, MONDO:0012127, OMIM 608807.
Dilated cardiomyopathy 1G (CMD1G). Identifiers: Orphanet 154, MedGen C1858763, MONDO:0011400, OMIM 604145.
Early-onset myopathy with fatal cardiomyopathy (CMYO5). Also called: CONGENITAL MYOPATHY 5 WITH CARDIOMYOPATHY; Salih Myopathy. Identifiers: Orphanet 289377, MedGen C2673677, MONDO:0012714, OMIM 611705. Disease mechanism: loss of function.
Tibial muscular dystrophy (TMD). Also called: UDD MYOPATHY; Udd Distal Myopathy – Tibial Muscular Dystrophy; Tibial muscular dystrophy, tardive. Identifiers: Orphanet 609, MedGen C1838244, MONDO:0010870, OMIM 600334.
Myopathy, myofibrillar, 9, with early respiratory failure (MFM9). Also called: Hereditary myopathy with early respiratory failure; EDSTROM MYOPATHY; MYOPATHY, PROXIMAL, WITH EARLY RESPIRATORY MUSCLE INVOLVEMENT; Myopathy, distal, with early respiratory failure, autosomal dominant. Identifiers: Orphanet 178464, Orphanet 34521, MedGen C1863599, MONDO:0011362, OMIM 603689.

Allele frequency attached by ClinVar (database versions not stated): gnomAD exomes 0.00049 and 0.00151; ExAC 0.00189; gnomAD 0.00566 and 0.00600; ESP Exome Variant Server 0.00612; TOPMed 0.00617; 1000 Genomes Project 0.00639; 1000 Genomes Project 30x 0.00765.
gnomAD v4.1: 1,643 of 1,606,982 alleles (0.1%); highest among the groups gnomAD compares: African/African-American, 1.9%; 21 homozygotes.

Submissions (20):

Labcorp Genetics (formerly Invitae), Labcorp
Classification: Benign for Dilated cardiomyopathy 1G; Autosomal recessive limb-girdle muscular dystrophy type 2J. Last evaluated: 2026-02-04. Review status: criteria provided, single submitter. Criteria: Invitae Variant Classification Sherloc (09022015). Collection method: clinical testing. Allele origin: germline.

ARUP Laboratories, Molecular Genetics and Genomics, ARUP Laboratories
Classification: Benign. Last evaluated: 2025-07-08. Review status: criteria provided, single submitter. Criteria: ARUP Molecular Germline Variant Investigation Process 2024. Collection method: clinical testing. Allele origin: germline.

Blueprint Genetics
Classification: Benign. Last evaluated: 2024-11-14. Review status: criteria provided, single submitter. Criteria: ACMG Guidelines, 2015. Collection method: clinical testing. Allele origin: germline.

Genome-Nilou Lab
Classification: Benign for Autosomal recessive limb-girdle muscular dystrophy type 2J. Last evaluated: 2021-09-10. Review status: criteria provided, single submitter. Criteria: ACMG Guidelines, 2015. Collection method: clinical testing. Allele origin: germline. Affected: no.

Genome-Nilou Lab
Classification: Benign for Myopathy, myofibrillar, 9, with early respiratory failure. Last evaluated: 2021-09-10. Review status: criteria provided, single submitter. Criteria: ACMG Guidelines, 2015. Collection method: clinical testing. Allele origin: germline. Affected: no.

Genome-Nilou Lab
Classification: Benign for Early-onset myopathy with fatal cardiomyopathy. Last evaluated: 2021-09-10. Review status: criteria provided, single submitter. Criteria: ACMG Guidelines, 2015. Collection method: clinical testing. Allele origin: germline. Affected: no.

Genome-Nilou Lab
Classification: Benign for Tibial muscular dystrophy. Last evaluated: 2021-09-10. Review status: criteria provided, single submitter. Criteria: ACMG Guidelines, 2015. Collection method: clinical testing. Allele origin: germline. Affected: no.

Women's Health and Genetics/Laboratory Corporation of America, LabCorp
Classification: Benign. Last evaluated: 2019-11-06. Review status: criteria provided, single submitter. Criteria: LabCorp Variant Classification Summary - May 2015. Collection method: clinical testing. Allele origin: germline.
Comment: Variant summary: TTN c.37646-13T>C alters a non-conserved nucleotide located close to a canonical splice site and therefore could affect mRNA splicing, leading to a significantly altered protein sequence. 5/5 computational tools predict no significant impact on normal splicing. However, these predictions have yet to be confirmed by functional studies. The variant allele was found at a frequency of 0.0015 in 241392 control chromosomes, predominantly at a frequency of 0.022 within the African or African-American subpopulation in the gnomAD database, including 5 homozygotes. The observed variant frequency within African or African-American control individuals in the gnomAD database is approximately 35-fold of the estimated maximal expected allele frequency for a pathogenic variant in TTN causing Cardiomyopathy phenotype (0.00063), strongly suggesting that the variant is a benign polymorphism found primarily in populations of African or African-American origin. To our knowledge, no occurrence of c.37646-13T>C in individuals affected with Cardiomyopathy and no experimental evidence demonstrating its impact on protein function have been reported. Co-occurrence with another pathogenic variant has been internally reported (TTR c.424G>A, p.Val142Ile; internal sample), providing supporting evidence for a benign role. No clinical diagnostic laboratories have submitted clinical-significance assessments for this variant to ClinVar after 2014. Based on the evidence outlined above, the variant was classified as benign.

Illumina Laboratory Services, Illumina
Classification: Likely benign for Autosomal recessive limb-girdle muscular dystrophy type 2J. Last evaluated: 2018-01-13. Review status: criteria provided, single submitter. Criteria: ICSL Variant Classification Criteria 13 December 2019. Collection method: clinical testing. Allele origin: germline.
Comment: This variant was observed in the ICSL laboratory as part of a predisposition screen in an ostensibly healthy population. It had not been previously curated by ICSL or reported in the Human Gene Mutation Database (HGMD: prior to June 1st, 2018), and was therefore a candidate for classification through an automated scoring system. Utilizing variant allele frequency, disease prevalence and penetrance estimates, and inheritance mode, an automated score was calculated to assess if this variant is too frequent to cause the disease. Based on the score and internal cut-off values, a variant classified as likely benign is not then subjected to further curation. The score for this variant resulted in a classification of likely benign for this disease.

Illumina Laboratory Services, Illumina
Classification: Benign for Myopathy, myofibrillar, 9, with early respiratory failure. Last evaluated: 2018-01-13. Review status: criteria provided, single submitter. Criteria: ICSL Variant Classification Criteria 13 December 2019. Collection method: clinical testing. Allele origin: germline.
Comment: This variant was observed in the ICSL laboratory as part of a predisposition screen in an ostensibly healthy population. It had not been previously curated by ICSL or reported in the Human Gene Mutation Database (HGMD: prior to June 1st, 2018), and was therefore a candidate for classification through an automated scoring system. Utilizing variant allele frequency, disease prevalence and penetrance estimates, and inheritance mode, an automated score was calculated to assess if this variant is too frequent to cause the disease. Based on the score and internal cut-off values, a variant classified as benign is not then subjected to further curation. The score for this variant resulted in a classification of benign for this disease.

Illumina Laboratory Services, Illumina
Classification: Benign for Tibial muscular dystrophy. Last evaluated: 2018-01-13. Review status: criteria provided, single submitter. Criteria: ICSL Variant Classification Criteria 13 December 2019. Collection method: clinical testing. Allele origin: germline.
Comment: the same text as in the submission from Illumina Laboratory Services, Illumina above.

Illumina Laboratory Services, Illumina
Classification: Likely benign for Dilated cardiomyopathy 1G. Last evaluated: 2018-01-13. Review status: criteria provided, single submitter. Criteria: ICSL Variant Classification Criteria 13 December 2019. Collection method: clinical testing. Allele origin: germline.
Comment: the same text as in the submission from Illumina Laboratory Services, Illumina above.

Illumina Laboratory Services, Illumina
Classification: Likely benign for Early-onset myopathy with fatal cardiomyopathy. Last evaluated: 2018-01-13. Review status: criteria provided, single submitter. Criteria: ICSL Variant Classification Criteria 13 December 2019. Collection method: clinical testing. Allele origin: germline.
Comment: the same text as in the submission from Illumina Laboratory Services, Illumina above.

GeneDx
Classification: Benign. Last evaluated: 2014-04-07. Review status: criteria provided, single submitter. Criteria: GeneDx Variant Classification (06012015). Collection method: clinical testing. Allele origin: germline. Affected: yes.
Comment: This variant is considered likely benign or benign based on one or more of the following criteria: it is a conservative change, it occurs at a poorly conserved position in the protein, it is predicted to be benign by multiple in silico algorithms, and/or has population frequency not consistent with disease.

Laboratory for Molecular Medicine, Mass General Brigham Personalized Medicine
Classification: Benign. Last evaluated: 2013-08-11. Review status: criteria provided, single submitter. Criteria: LMM Criteria. Collection method: clinical testing. Allele origin: germline. Observed: 15 variant alleles.
Comment: 37646-13T>C in intron 194 of TTN: This variant is not expected to have clinical significance because it has been identified in 2% (72/3616) of African American chromosomes from a broad population by the NHLBI Exome Sequencing Project (dbSNP rs113084617).

Breakthrough Genomics
Classification: Likely benign. Review status: criteria provided, single submitter. Criteria: ACMG Guidelines, 2015. Collection method: not provided. Allele origin: germline. Inheritance: Autosomal recessive inheritance. Affected: yes.

Clinical Genetics DNA and cytogenetics Diagnostics Lab, Erasmus MC, Erasmus Medical Center
Classification: Benign. Review status: no assertion criteria provided. Collection method: clinical testing. Allele origin: germline. Affected: yes. Study: VKGL Data-share Consensus. Not counted in ClinVar's aggregate classification.

Clinical Genetics, Academic Medical Center
Classification: Benign. Review status: no assertion criteria provided. Collection method: clinical testing. Allele origin: germline. Affected: yes. Study: VKGL Data-share Consensus. Not counted in ClinVar's aggregate classification.

Joint Genome Diagnostic Labs from Nijmegen and Maastricht, Radboudumc and MUMC+
Classification: Benign. Review status: no assertion criteria provided. Collection method: clinical testing. Allele origin: germline. Affected: yes. Study: VKGL Data-share Consensus. Not counted in ClinVar's aggregate classification.

Laboratory of Diagnostic Genome Analysis, Leiden University Medical Center (LUMC)
Classification: Likely benign. Review status: no assertion criteria provided. Collection method: clinical testing. Allele origin: germline. Affected: yes. Study: VKGL Data-share Consensus. Not counted in ClinVar's aggregate classification.

NM_001267550.2(TTN):c.45350-13T>C

Genes: TTN (titin; minus strand), LOC126806427 (BRD4-independent group 4 enhancer GRCh37_chr2:179485777-179486976; plus strand). Cytogenetic location: 2q31.2.
Variant type: single nucleotide variant.
Coding change: c.45350-13T>C on transcript NM_001267550.2 (MANE Select); 13 bases into the intron before coding-DNA position 45350, T replaced by C.
Molecular consequence: intron variant.
Genome position (GRCh38, 1-based): chr2:178,621,381, A>G on the plus strand (T>C on the coding strand, the complement: TTN is on the minus strand). VCF-style: chr2-178621381-A-G. GRCh37 (hg19) VCF-style: chr2-179486108-A-G.
Other names: c.18155-13T>C (NM_003319.4); c.18731-13T>C (NM_133437.4); c.18530-13T>C (NM_133432.3); c.37646-13T>C (NM_133378.4); c.40427-13T>C (NM_001256850.1).
Identifiers: ClinVar variation 137791 (VCV000137791.37), dbSNP rs113084617, ClinGen allele CA295666.